The following is an entry in ClinVar:

NM_201384.3(PLEC):c.5449C>T (p.Arg1817Trp)

Gene: PLEC (plectin; minus strand). Cytogenetic location: 8q24.3.
Variant type: single nucleotide variant.
Coding change: c.5449C>T on transcript NM_201384.3 (MANE Select); coding-DNA position 5449, C replaced by T.
Protein change: p.Arg1817Trp; replaces arginine 1817 with tryptophan.
Molecular consequence: missense variant.
Genome position (GRCh38, 1-based): chr8:143,924,480, G>A on the plus strand (C>T on the coding strand, the complement: PLEC is on the minus strand). VCF-style: chr8-143924480-G-A. GRCh37 (hg19) VCF-style: chr8-144998648-G-A.
Other names: c.5530C>T, p.Arg1844Trp (NM_000445.5); c.5407C>T, p.Arg1803Trp (NM_201378.4); c.5383C>T, p.Arg1795Trp (NM_201379.3); c.5860C>T, p.Arg1954Trp (NM_201380.4); c.5353C>T, p.Arg1785Trp (NM_201381.3); c.5449C>T, p.Arg1817Trp (NM_201382.4); c.5461C>T, p.Arg1821Trp (NM_201383.3); c.5530C>T (NM_000445.3); short protein forms R1785W, R1795W, R1803W, R1817W, R1821W, R1844W, R1954W.
Identifiers: ClinVar variation 1004094 (VCV001004094.8), dbSNP rs1054234042, ClinGen allele CA187615715.

ClinVar aggregate classification (germline): Uncertain significance. Review status: criteria provided, multiple submitters, no conflicts (2 of 4 stars). 2 submissions from 2 submitters: Uncertain significance (2). Last evaluated 2025-08-24.

Conditions:
Inborn genetic diseases. Identifiers: MedGen C0950123, MeSH D030342.
Epidermolysis bullosa simplex 5B, with muscular dystrophy (EBS5B). Also called: Epidermolysis bullosa simplex with muscular dystrophy; EPIDERMOLYSIS BULLOSA SIMPLEX AND LIMB-GIRDLE MUSCULAR DYSTROPHY. Identifiers: Orphanet 257, MedGen C2931072, MONDO:0009181, OMIM 226670.
Epidermolysis bullosa simplex, Ogna type (EBS5A). Also called: Pidermolysis bullosa simplex 5A, Ogna type; EPIDERMOLYSIS BULLOSA SIMPLEX 5A, OGNA TYPE. Identifiers: Orphanet 79401, MedGen C0432317, MONDO:0007555, OMIM 131950.
Epidermolysis bullosa simplex 5C, with pyloric atresia (EBS5C). Also called: PLEC-Related Epidermolysis Bullosa with Pyloric Atresia; Epidermolysis bullosa simplex with pyloric atresia; PLEC1-Related Epidermolysis Bullosa with Pyloric Atresia. Identifiers: Orphanet 158684, MedGen C2677349, MONDO:0012807, OMIM 612138.
Autosomal recessive limb-girdle muscular dystrophy type 2Q (LGMDR17). Also called: MUSCULAR DYSTROPHY, LIMB-GIRDLE, AUTOSOMAL RECESSIVE 17. Identifiers: Orphanet 254361, MedGen C3150989, MONDO:0013390, OMIM 613723.
Epidermolysis bullosa simplex with nail dystrophy (EBS5D). Identifiers: MedGen C4225309, MONDO:0014661, OMIM 616487.

Allele frequency attached by ClinVar (database versions not stated): gnomAD 0.00002; TOPMed 0.00003.
gnomAD v4.1: 13 of 1,540,400 alleles (0.00084%); highest among the groups gnomAD compares: Admixed American, 0.0077%; no homozygotes.

Submissions (2):

Ambry Genetics
Classification: Uncertain significance for Inborn genetic diseases. Last evaluated: 2025-08-24. Review status: criteria provided, single submitter. Criteria: Ambry Variant Classification Scheme 2023. Collection method: clinical testing. Allele origin: germline.

Labcorp Genetics (formerly Invitae), Labcorp
Classification: Uncertain significance for Autosomal recessive limb-girdle muscular dystrophy type 2Q; Epidermolysis bullosa simplex, Ogna type; Epidermolysis bullosa simplex with nail dystrophy; Epidermolysis bullosa simplex 5C, with pyloric atresia; Epidermolysis bullosa simplex 5B, with muscular dystrophy. Last evaluated: 2024-02-24. Review status: criteria provided, single submitter. Criteria: Invitae Variant Classification Sherloc (09022015). Collection method: clinical testing. Allele origin: germline.
Comment: This sequence change replaces arginine, which is basic and polar, with tryptophan, which is neutral and slightly polar, at codon 1844 of the PLEC protein (p.Arg1844Trp). The frequency data for this variant in the population databases is considered unreliable, as metrics indicate poor data quality at this position in the gnomAD database. This variant has not been reported in the literature in individuals affected with PLEC-related conditions. ClinVar contains an entry for this variant (Variation ID: 1004094). Experimental studies and prediction algorithms are not available or were not evaluated, and the functional significance of this variant is currently unknown. In summary, the available evidence is currently insufficient to determine the role of this variant in disease. Therefore, it has been classified as a Variant of Uncertain Significance.